The following is an entry in ClinVar:

ClinVar aggregate classification (germline): Conflicting classifications of pathogenicity. Review status: criteria provided, conflicting classifications (1 of 4 stars). 2 submissions from 2 submitters: Uncertain significance (1); Likely benign (1). Last evaluated 2025-04-25.

Allele frequency attached by ClinVar (database versions not stated): gnomAD exomes 0.00009; ExAC 0.00010; 1000 Genomes Project 30x 0.00016; 1000 Genomes Project 0.00020; ESP Exome Variant Server 0.00031; gnomAD 0.00041; TOPMed 0.00047.
gnomAD v4.1: 208 of 1,612,900 alleles (0.013%); highest among the groups gnomAD compares: African/African-American, 0.12%; no homozygotes.

Submissions (2):

Ambry Genetics
Classification: Uncertain significance. Last evaluated: 2025-04-25. Review status: criteria provided, single submitter. Criteria: Ambry Variant Classification Scheme 2023. Collection method: clinical testing. Allele origin: germline.

CeGaT Center for Human Genetics Tuebingen
Classification: Likely benign. Last evaluated: 2023-11-01. Review status: criteria provided, single submitter. Criteria: CeGaT Center For Human Genetics Tuebingen Variant Classification Criteria Version 2. Collection method: clinical testing. Allele origin: germline. Affected: yes. Observed: 1 variant allele.
Comment: ASTN1: BP4

NM_004319.3(ASTN1):c.3089C>T (p.Thr1030Met)

Gene: ASTN1 (astrotactin 1; minus strand). Cytogenetic location: 1q25.2.
Variant type: single nucleotide variant.
Coding change: c.3089C>T on transcript NM_004319.3 (MANE Select); coding-DNA position 3089, C replaced by T.
Protein change: p.Thr1030Met; replaces threonine 1030 with methionine.
Molecular consequence: missense variant.
Genome position (GRCh38, 1-based): chr1:176,884,476, G>A on the plus strand (C>T on the coding strand, the complement: ASTN1 is on the minus strand). VCF-style: chr1-176884476-G-A. GRCh37 (hg19) VCF-style: chr1-176853612-G-A.
Other names: c.3089C>T, p.Thr1030Met (NM_001286164.2, NM_207108.3); c.3113C>T, p.Thr1038Met (NM_001364856.2); short protein forms T1030M, T1038M.
Identifiers: ClinVar variation 2569888 (VCV002569888.26), dbSNP rs143440206, ClinGen allele CA1258673.